The following is an entry in ClinVar:

ClinVar aggregate classification (germline): Uncertain significance (1 of 4 stars; one submission).

Conditions:
Cortical dysplasia-focal epilepsy syndrome (PTHSL1). Also called: Pitt-Hopkins-like syndrome 1. Identifiers: Orphanet 163681, Orphanet 221150, MedGen C2750246, MONDO:0012400, OMIM 610042.

gnomAD v4.1: 1 of 1,614,106 alleles (0.000062%); highest among the groups gnomAD compares: Non-Finnish European, 0.000085%; no homozygotes.

Submission:

Labcorp Genetics (formerly Invitae), Labcorp
Classification: Uncertain significance for Cortical dysplasia-focal epilepsy syndrome. Last evaluated: 2021-08-24. Review status: criteria provided, single submitter. Criteria: Invitae Variant Classification Sherloc (09022015). Collection method: clinical testing. Allele origin: germline.
Comment: This sequence change replaces serine with tyrosine at codon 857 of the CNTNAP2 protein (p.Ser857Tyr). The serine residue is highly conserved and there is a large physicochemical difference between serine and tyrosine. This variant is not present in population databases (ExAC no frequency). This variant has not been reported in the literature in individuals affected with CNTNAP2-related conditions. ClinVar contains an entry for this variant (Variation ID: 359191). Algorithms developed to predict the effect of missense changes on protein structure and function are either unavailable or do not agree on the potential impact of this missense change (SIFT: "Tolerated"; PolyPhen-2: "Possibly Damaging"; Align-GVGD: "Class C0"). In summary, the available evidence is currently insufficient to determine the role of this variant in disease. Therefore, it has been classified as a Variant of Uncertain Significance.

NM_014141.6(CNTNAP2):c.2570C>A (p.Ser857Tyr)

Gene: CNTNAP2 (contactin associated protein 2; plus strand). Cytogenetic location: 7q35.
Variant type: single nucleotide variant.
Coding change: c.2570C>A on transcript NM_014141.6 (MANE Select); coding-DNA position 2570, C replaced by A.
Protein change: p.Ser857Tyr; replaces serine 857 with tyrosine.
Molecular consequence: missense variant.
Genome position (GRCh38, 1-based): chr7:148,147,506, C>A. VCF-style: chr7-148147506-C-A. GRCh37 (hg19) VCF-style: chr7-147844598-C-A.
Other names: short protein forms S857Y.
Identifiers: ClinVar variation 359191 (VCV000359191.10), dbSNP rs200330677, ClinGen allele CA10623400.